The following is an entry in ClinVar:

NM_002439.5(MSH3):c.1503C>T (p.Cys501=)

Gene: MSH3 (mutS homolog 3; plus strand). Cytogenetic location: 5q14.1.
Variant type: single nucleotide variant.
Coding change: c.1503C>T on transcript NM_002439.5 (MANE Select); coding-DNA position 1503, C replaced by T.
Protein change: p.Cys501=; no amino-acid change (cysteine 501 retained).
Molecular consequence: synonymous variant.
Genome position (GRCh38, 1-based): chr5:80,728,900, C>T. VCF-style: chr5-80728900-C-T. GRCh37 (hg19) VCF-style: chr5-80024719-C-T.
Identifiers: ClinVar variation 757845 (VCV000757845.38), dbSNP rs201057820, ClinGen allele CA3327942.

ClinVar aggregate classification (germline): Likely benign. Review status: criteria provided, multiple submitters, no conflicts (2 of 4 stars). 4 submissions from 4 submitters: Likely benign (4). Last evaluated 2026-09-01.

Conditions:
Hereditary cancer-predisposing syndrome. Also called: Hereditary neoplastic syndrome; Hereditary Cancer Syndrome; Neoplastic Syndromes, Hereditary; Tumor predisposition. Identifiers: Orphanet 140162, MedGen C0027672, MeSH D009386, MONDO:0015356.

Allele frequency attached by ClinVar (database versions not stated): gnomAD 0.00004 and 0.00003; gnomAD exomes 0.00008 and 0.00015; ExAC 0.00009; TOPMed 0.00003.
gnomAD v4.1: 221 of 1,612,724 alleles (0.014%); highest among the groups gnomAD compares: Non-Finnish European, 0.018%; no homozygotes.

Submissions (4):

CeGaT Center for Human Genetics Tuebingen
Classification: Likely benign. Last evaluated: 2026-09-01. Review status: criteria provided, single submitter. Criteria: CeGaT Center For Human Genetics Tuebingen Variant Classification Criteria Version 2. Collection method: clinical testing. Allele origin: germline. Affected: yes. Observed: 2 variant alleles.
Comment: MSH3: BP4, BP7

Labcorp Genetics (formerly Invitae), Labcorp
Classification: Likely benign. Last evaluated: 2026-02-03. Review status: criteria provided, single submitter. Criteria: Invitae Variant Classification Sherloc (09022015). Collection method: clinical testing. Allele origin: germline.

Center for Genomic Medicine, Rigshospitalet, Copenhagen University Hospital
Classification: Likely benign. Last evaluated: 2025-12-29. Review status: criteria provided, single submitter. Criteria: ACMG Guidelines, 2015. Collection method: clinical testing. Allele origin: germline.

Ambry Genetics
Classification: Likely benign for Hereditary cancer-predisposing syndrome. Last evaluated: 2019-12-19. Review status: criteria provided, single submitter. Criteria: Ambry Variant Classification Scheme 2023. Collection method: clinical testing. Allele origin: germline.